The following is an entry in ClinVar:

ClinVar aggregate classification (germline): Uncertain significance (1 of 4 stars; one submission).

Conditions:
Leukocyte adhesion deficiency 1 (LAD1). Also called: LEUKOCYTE ADHESION DEFICIENCY, TYPE I; LAD 1; Lymphocyte function-associated antigen 1 immunodeficiency; LFA 1 immunodeficiency. Identifiers: Orphanet 2968, Orphanet 99842, MedGen C0398738, MONDO:0007293, OMIM 116920.

Allele frequency attached by ClinVar (database versions not stated): gnomAD 0.00001.
gnomAD v4.1: 5 of 1,613,178 alleles (0.00031%); highest among the groups gnomAD compares: Admixed American, 0.0017%; no homozygotes.

Submission:

Labcorp Genetics (formerly Invitae), Labcorp
Classification: Uncertain significance for Leukocyte adhesion deficiency 1. Last evaluated: 2022-07-27. Review status: criteria provided, single submitter. Criteria: Invitae Variant Classification Sherloc (09022015). Collection method: clinical testing. Allele origin: germline.
Comment: This sequence change replaces glutamine, which is neutral and polar, with arginine, which is basic and polar, at codon 440 of the ITGB2 protein (p.Gln440Arg). This variant is not present in population databases (gnomAD no frequency). This variant has not been reported in the literature in individuals affected with ITGB2-related conditions. Algorithms developed to predict the effect of missense changes on protein structure and function output the following: SIFT: "Tolerated"; PolyPhen-2: "Benign"; Align-GVGD: "Class C0". The arginine amino acid residue is found in multiple mammalian species, which suggests that this missense change does not adversely affect protein function. Algorithms developed to predict the effect of sequence changes on RNA splicing suggest that this variant may create or strengthen a splice site. In summary, the available evidence is currently insufficient to determine the role of this variant in disease. Therefore, it has been classified as a Variant of Uncertain Significance.

NM_000211.5(ITGB2):c.1319A>G (p.Gln440Arg)

Gene: ITGB2 (integrin subunit beta 2; minus strand). Cytogenetic location: 21q22.3.
Variant type: single nucleotide variant.
Coding change: c.1319A>G on transcript NM_000211.5 (MANE Select); coding-DNA position 1319, A replaced by G.
Protein change: p.Gln440Arg; replaces glutamine 440 with arginine.
Molecular consequence: missense variant.
Genome position (GRCh38, 1-based): chr21:44,891,902, T>C on the plus strand (A>G on the coding strand, the complement: ITGB2 is on the minus strand). VCF-style: chr21-44891902-T-C. GRCh37 (hg19) VCF-style: chr21-46311817-T-C.
Other names: c.1319A>G, p.Gln440Arg (NM_001127491.3); c.1112A>G, p.Gln371Arg (NM_001303238.2); short protein forms Q440R, Q371R.
Identifiers: ClinVar variation 1975593 (VCV001975593.2), dbSNP rs1021483045, ClinGen allele CA410485315.